The following is an entry in ClinVar:

ClinVar aggregate classification (germline): Likely benign. Review status: criteria provided, single submitter (1 of 4 stars). 2 submissions from 2 submitters: Likely benign (1). 1 of the submissions does not count toward it. Last evaluated 2025-10-22.

Conditions:
ALG8-related disorder.
ALG8 congenital disorder of glycosylation. Also called: CONGENITAL DISORDER OF GLYCOSYLATION, TYPE Ih; CDG Ih; ALG8-CDG. Identifiers: Orphanet 79325, MedGen C2931002, MONDO:0011969, OMIM 608104.

Allele frequency attached by ClinVar (database versions not stated): gnomAD exomes 0.00002; ExAC 0.00008; gnomAD 0.00027; TOPMed 0.00028.
gnomAD v4.1: 68 of 1,613,588 alleles (0.0042%); highest among the groups gnomAD compares: African/African-American, 0.084%; no homozygotes.

Submissions (2):

Labcorp Genetics (formerly Invitae), Labcorp
Classification: Likely benign for ALG8 congenital disorder of glycosylation. Last evaluated: 2025-10-22. Review status: criteria provided, single submitter. Criteria: Invitae Variant Classification Sherloc (09022015). Collection method: clinical testing. Allele origin: germline.

PreventionGenetics, part of Exact Sciences
Classification: Likely benign for ALG8-related condition. Last evaluated: 2019-08-28. Review status: no assertion criteria provided. Collection method: clinical testing. Allele origin: germline. Not counted in ClinVar's aggregate classification.
Comment: This variant is classified as likely benign based on ACMG/AMP sequence variant interpretation guidelines (Richards et al. 2015 PMID: 25741868, with internal and published modifications).

NM_024079.5(ALG8):c.1356A>G (p.Glu452=)

Gene: ALG8 (ALG8 alpha-1,3-glucosyltransferase; minus strand). Cytogenetic location: 11q14.1.
Variant type: single nucleotide variant.
Coding change: c.1356A>G on transcript NM_024079.5 (MANE Select); coding-DNA position 1356, A replaced by G.
Protein change: p.Glu452=; no amino-acid change (glutamic acid 452 retained).
Molecular consequence: synonymous variant. On other transcripts: 3 prime UTR variant (1).
Genome position (GRCh38, 1-based): chr11:78,101,189, T>C on the plus strand (A>G on the coding strand, the complement: ALG8 is on the minus strand). VCF-style: chr11-78101189-T-C. GRCh37 (hg19) VCF-style: chr11-77812235-T-C.
Other names: c.1356A>G (NM_024079.4); c.*27A>G (NM_001007027.3).
Identifiers: ClinVar variation 2050026 (VCV002050026.6), dbSNP rs142520385, ClinGen allele CA6203128.
Genomic context (GRCh38, chr11:78,101,189, plus strand): 5'-GACTTCCAGAGGCCCCAGGCCAAGCAGGTAGAAAGTTTCCATCCAATTAAAAAGAGGTTT[T>C]TCTTTTCTGAAGGAAAAAAGAGAGAAAAGTCTGATTTTAGATGAGTCATCCTGGTTTAGC-3'
Protein context (NP_076984.2, residues 442-462): ISSLKTLFRK[Glu452=]KPLFNWMETF